The following is an entry in ClinVar:

ClinVar aggregate classification (germline): Likely benign (0 of 4 stars; one submission).

Conditions:
PLXNA3-related disorder. Also called: PLXNA3-related condition.

Allele frequency attached by ClinVar (database versions not stated): TOPMed 0.00006.
gnomAD v4.1: 78 of 1,209,056 alleles (0.0065%); highest among the groups gnomAD compares: Middle Eastern, 0.069%; no homozygotes.

Submission:

PreventionGenetics, part of Exact Sciences
Classification: Likely benign for PLXNA3-related condition. Last evaluated: 2023-04-26. Review status: no assertion criteria provided. Collection method: clinical testing. Allele origin: germline.
Comment: This variant is classified as likely benign based on ACMG/AMP sequence variant interpretation guidelines (Richards et al. 2015 PMID: 25741868, with internal and published modifications).

NM_017514.5(PLXNA3):c.2620C>T (p.Leu874=)

Gene: PLXNA3 (plexin A3; plus strand). Cytogenetic location: Xq28.
Variant type: single nucleotide variant.
Coding change: c.2620C>T on transcript NM_017514.5 (MANE Select); coding-DNA position 2620, C replaced by T.
Protein change: p.Leu874=; no amino-acid change (leucine 874 retained).
Molecular consequence: synonymous variant.
Genome position (GRCh38, 1-based): chrX:154,466,022, C>T. VCF-style: chrX-154466022-C-T. GRCh37 (hg19) VCF-style: chrX-153694365-C-T.
Identifiers: ClinVar variation 3034419 (VCV003034419.2), dbSNP rs782794636, ClinGen allele CA10564424.
Genomic context (GRCh38, chrX:154,466,022, plus strand): 5'-GGAGGCACCCGGGTCACCATCGTGGGTGAGAACCTGGGCCTCTTGTCCCGAGAGGTGGGC[C>T]TGCGGGTGGCTGGCGTGCGTTGCAACTCCATTCCGGCCGAGTACATCAGTGCTGAGAGGT-3'
Protein context (NP_059984.3, residues 864-884): NLGLLSREVG[Leu874=]RVAGVRCNSI